The following is an entry in ClinVar:

NM_015046.7(SETX):c.5100C>G (p.Thr1700=)

Gene: SETX (senataxin; minus strand). Cytogenetic location: 9q34.13.
Variant type: single nucleotide variant.
Coding change: c.5100C>G on transcript NM_015046.7 (MANE Select); coding-DNA position 5100, C replaced by G.
Protein change: p.Thr1700=; no amino-acid change (threonine 1700 retained).
Molecular consequence: synonymous variant.
Genome position (GRCh38, 1-based): chr9:132,326,498, G>C on the plus strand (C>G on the coding strand, the complement: SETX is on the minus strand). VCF-style: chr9-132326498-G-C. GRCh37 (hg19) VCF-style: chr9-135201885-G-C.
Other names: c.5100C>G, p.Thr1700= (NM_001351527.2, NM_001351528.2).
Identifiers: ClinVar variation 2579076 (VCV002579076.25), dbSNP rs1846771854, ClinGen allele CA467504518.

ClinVar aggregate classification (germline): Likely benign (1 of 4 stars; one submission).

Submission:

CeGaT Center for Human Genetics Tuebingen
Classification: Likely benign. Last evaluated: 2023-08-01. Review status: criteria provided, single submitter. Criteria: CeGaT Center For Human Genetics Tuebingen Variant Classification Criteria Version 2. Collection method: clinical testing. Allele origin: germline. Affected: yes. Observed: 1 variant allele.
Comment: SETX: PM2:Supporting, BP4, BP7